The following is an entry in ClinVar:

ClinVar aggregate classification (germline): Likely pathogenic (1 of 4 stars; one submission).

Conditions:
Leigh syndrome (NULS). Also called: Leigh Disease; Subacute necrotizing encephalopathy; Necrotizing encephalopathy infantile subacute of Leigh; Leigh's necrotizing encephalopathy; Leigh's disease; Leigh Syndrome (mtDNA deletion). Identifiers: Orphanet 506, MedGen C2931891, MONDO:0009723, OMIM 256000.

Submission:

Labcorp Genetics (formerly Invitae), Labcorp
Classification: Likely pathogenic for Leigh syndrome. Last evaluated: 2023-06-05. Review status: criteria provided, single submitter. Criteria: Invitae Variant Classification Sherloc (09022015). Collection method: clinical testing. Allele origin: germline.
Comment: In summary, the currently available evidence indicates that the variant is pathogenic, but additional data are needed to prove that conclusively. Therefore, this variant has been classified as Likely Pathogenic. Algorithms developed to predict the effect of sequence changes on RNA splicing suggest that this variant may disrupt the consensus splice site. This variant has not been reported in the literature in individuals affected with SURF1-related conditions. The frequency data for this variant in the population databases is considered unreliable, as metrics indicate poor data quality at this position in the gnomAD database. This variant results in the deletion of part of exon 2 (c.55-40_55del) of the SURF1 gene. It is expected to disrupt RNA splicing. Variants that disrupt the donor or acceptor splice site typically lead to a loss of protein function (PMID: 16199547), and loss-of-function variants in SURF1 are known to be pathogenic (PMID: 10443880, 22488715, 24027061).

Literature cited by the submitters: PubMed 16199547; PubMed 10443880; PubMed 22488715; PubMed 24027061.

NM_003172.4(SURF1):c.54+40_55del

Genes: SURF1 (SURF1 cytochrome c oxidase assembly factor; minus strand), LOC130002899 (ATAC-STARR-seq lymphoblastoid silent region 20452; plus strand). Cytogenetic location: 9q34.2.
Variant type: Deletion.
Coding change: c.54+40_55del on transcript NM_003172.4 (MANE Select); 40 bases into the intron after coding-DNA position 54 through coding-DNA position 55, 41 bases deleted.
Molecular consequence: splice acceptor variant. On other transcripts: intron variant (1).
Genome position (GRCh38, 1-based): chr9:133,356,320-133,356,360, 41 bases deleted; deleting any 41 consecutive bases within chr9:133,356,320-133,356,362 gives the same sequence; the c. name uses the placement nearest the transcript's 3' end. GRCh37 (hg19): chr9:136,223,177-136,223,217.
Other names: c.-222+40_-222+80del (NM_001280787.1).
Identifiers: ClinVar variation 2915667 (VCV002915667.3), dbSNP rs1564351269, ClinGen allele CA860712218.